The following is an entry in ClinVar:

NM_006939.4(SOS2):c.3621_3632del (p.Pro1208_Pro1211del)

Gene: SOS2 (SOS Ras/Rho guanine nucleotide exchange factor 2; minus strand). Cytogenetic location: 14q21.3.
Variant type: Deletion.
Coding change: c.3621_3632del on transcript NM_006939.4 (MANE Select); coding-DNA positions 3621 to 3632, 12 bases deleted (ACCAAGAGATCC).
Protein change: p.Pro1208_Pro1211del.
Molecular consequence: inframe deletion.
Genome position (GRCh38, 1-based): chr14:50,118,711-50,118,722, GGATCTCTTGGT deleted on the plus strand (ACCAAGAGATCC on the coding strand, the reverse complement: SOS2 is on the minus strand); deleting any 12 consecutive bases within chr14:50,118,711-50,118,724 gives the same sequence; the c. name uses the placement nearest the transcript's 3' end. VCF-style (leftmost placement, unchanged base first): chr14-50118710-AGGATCTCTTGGT-A. GRCh37 (hg19) VCF-style: chr14-50585428-AGGATCTCTTGGT-A.
Other names: c.3522_3533del, p.Pro1175_Pro1178del (NM_001411020.1).
Identifiers: ClinVar variation 2024611 (VCV002024611.4), dbSNP rs2502758261, ClinGen allele CA2580088184.

ClinVar aggregate classification (germline): Uncertain significance (1 of 4 stars; one submission).

Conditions:
Noonan syndrome 9 (NS9). Identifiers: Orphanet 648, MedGen C4225282, MONDO:0014691, OMIM 616559.

Submission:

Labcorp Genetics (formerly Invitae), Labcorp
Classification: Uncertain significance for Noonan syndrome 9. Last evaluated: 2025-05-27. Review status: criteria provided, single submitter. Criteria: Invitae Variant Classification Sherloc (09022015). Collection method: clinical testing. Allele origin: germline.
Comment: This variant, c.3621_3632del, results in the deletion of 4 amino acid(s) of the SOS2 protein (p.Pro1208_Pro1211del), but otherwise preserves the integrity of the reading frame. This variant is not present in population databases (gnomAD no frequency). This variant has not been reported in the literature in individuals affected with SOS2-related conditions. ClinVar contains an entry for this variant (Variation ID: 2024611). Experimental studies and prediction algorithms are not available or were not evaluated, and the functional significance of this variant is currently unknown. In summary, the available evidence is currently insufficient to determine the role of this variant in disease. Therefore, it has been classified as a Variant of Uncertain Significance.